The following is an entry in ClinVar:

ClinVar aggregate classification (germline): Uncertain significance. Review status: criteria provided, multiple submitters, no conflicts (2 of 4 stars). 2 submissions from 2 submitters: Uncertain significance (2). Last evaluated 2024-03-25.

Conditions:
Hereditary cancer-predisposing syndrome. Also called: Neoplastic Syndromes, Hereditary; Tumor predisposition; Hereditary neoplastic syndrome; Hereditary Cancer Syndrome. Identifiers: Orphanet 140162, MedGen C0027672, MeSH D009386, MONDO:0015356.
Familial adenomatous polyposis 1 (FAP1). Also called: POLYPOSIS, ADENOMATOUS INTESTINAL; FAMILIAL ADENOMATOUS POLYPOSIS 1, ATTENUATED. Identifiers: MedGen C2713442, MONDO:0021056, OMIM 175100. Disease mechanism: loss of function.

Submissions (2):

Labcorp Genetics (formerly Invitae), Labcorp
Classification: Uncertain significance for Familial adenomatous polyposis 1. Last evaluated: 2024-03-25. Review status: criteria provided, single submitter. Criteria: Invitae Variant Classification Sherloc (09022015). Collection method: clinical testing. Allele origin: germline.
Comment: This sequence change replaces proline, which is neutral and non-polar, with serine, which is neutral and polar, at codon 1853 of the APC protein (p.Pro1853Ser). This variant is not present in population databases (gnomAD no frequency). This variant has not been reported in the literature in individuals affected with APC-related conditions. ClinVar contains an entry for this variant (Variation ID: 629123). Advanced modeling of protein sequence and biophysical properties (such as structural, functional, and spatial information, amino acid conservation, physicochemical variation, residue mobility, and thermodynamic stability) performed at Invitae indicates that this missense variant is not expected to disrupt APC protein function with a negative predictive value of 95%. In summary, the available evidence is currently insufficient to determine the role of this variant in disease. Therefore, it has been classified as a Variant of Uncertain Significance.

Color Diagnostics, LLC DBA Color Health
Classification: Uncertain significance for Hereditary cancer-predisposing syndrome. Last evaluated: 2020-09-28. Review status: criteria provided, single submitter. Criteria: ACMG Guidelines, 2015. Collection method: clinical testing. Allele origin: germline.
Comment: This missense variant replaces proline with serine at codon 1853 of the APC protein. Computational prediction suggests that this variant may have deleterious impact on protein structure and function (internally defined REVEL score threshold >= 0.7, PMID: 27666373). To our knowledge, functional studies have not been reported for this variant. This variant has not been reported in individuals affected with hereditary cancer in the literature. This variant has not been identified in the general population by the Genome Aggregation Database (gnomAD). The available evidence is insufficient to determine the role of this variant in disease conclusively. Therefore, this variant is classified as a Variant of Uncertain Significance.

NM_000038.6(APC):c.5557C>T (p.Pro1853Ser)

Gene: APC (APC regulator of Wnt signaling pathway; plus strand). Cytogenetic location: 5q22.2.
Variant type: single nucleotide variant.
Coding change: c.5557C>T on transcript NM_000038.6 (MANE Select); coding-DNA position 5557, C replaced by T.
Protein change: p.Pro1853Ser; replaces proline 1853 with serine.
Molecular consequence: missense variant.
Genome position (GRCh38, 1-based): chr5:112,841,151, C>T. VCF-style: chr5-112841151-C-T. GRCh37 (hg19) VCF-style: chr5-112176848-C-T.
Other names: c.5557C>T, p.Pro1853Ser (NM_001127510.3, NM_001354895.2); c.5503C>T, p.Pro1835Ser (NM_001127511.3); c.5611C>T, p.Pro1871Ser (NM_001354896.2); c.5587C>T, p.Pro1863Ser (NM_001354897.2); c.5482C>T, p.Pro1828Ser (NM_001354898.2); c.5473C>T, p.Pro1825Ser (NM_001354899.2); c.5434C>T, p.Pro1812Ser (NM_001354900.2); c.5380C>T, p.Pro1794Ser (NM_001354901.2); and 5 more; short protein forms P1835S, P1853S, P1570S, P1794S, P1828S, P1752S, P1825S, P1693S.
Identifiers: ClinVar variation 629123 (VCV000629123.6), dbSNP rs1561601033, ClinGen allele CA16033490.